The following is an entry in ClinVar:

NM_004787.4(SLIT2):c.3043G>A (p.Asp1015Asn)

Gene: SLIT2 (slit guidance ligand 2; plus strand). Cytogenetic location: 4p15.31.
Variant type: single nucleotide variant.
Coding change: c.3043G>A on transcript NM_004787.4 (MANE Select); coding-DNA position 3043, G replaced by A.
Protein change: p.Asp1015Asn; replaces aspartic acid 1015 with asparagine.
Molecular consequence: missense variant.
Genome position (GRCh38, 1-based): chr4:20,568,959, G>A. VCF-style: chr4-20568959-G-A. GRCh37 (hg19) VCF-style: chr4-20570582-G-A.
Other names: c.3031G>A, p.Asp1011Asn (NM_001289135.3); c.3019G>A, p.Asp1007Asn (NM_001289136.3); short protein forms D1007N, D1011N, D1015N.
Identifiers: ClinVar variation 2987730 (VCV002987730.3), dbSNP rs771537580, ClinGen allele CA2872017.

ClinVar aggregate classification (germline): Uncertain significance (1 of 4 stars; one submission).

Allele frequency attached by ClinVar (database versions not stated): ExAC 0.00002.
gnomAD v4.1: 33 of 1,612,288 alleles (0.002%); highest among the groups gnomAD compares: Non-Finnish European, 0.0025%; no homozygotes.

Submission:

Labcorp Genetics (formerly Invitae), Labcorp
Classification: Uncertain significance. Last evaluated: 2024-01-19. Review status: criteria provided, single submitter. Criteria: Invitae Variant Classification Sherloc (09022015). Collection method: clinical testing. Allele origin: germline.
Comment: This sequence change replaces aspartic acid, which is acidic and polar, with asparagine, which is neutral and polar, at codon 1015 of the SLIT2 protein (p.Asp1015Asn). This variant is present in population databases (rs771537580, gnomAD 0.006%). This variant has not been reported in the literature in individuals affected with SLIT2-related conditions. An algorithm developed to predict the effect of missense changes on protein structure and function (PolyPhen-2) suggests that this variant is likely to be disruptive. In summary, the available evidence is currently insufficient to determine the role of this variant in disease. Therefore, it has been classified as a Variant of Uncertain Significance.